The following is an entry in ClinVar:

ClinVar aggregate classification (germline): Uncertain significance (1 of 4 stars; one submission).

Submission:

GeneDx
Classification: Uncertain significance. Last evaluated: 2026-04-01. Review status: criteria provided, single submitter. Criteria: GeneDx Variant Classification Process June 2021. Collection method: clinical testing. Allele origin: germline.
Comment: Not observed at significant frequency in large population cohorts (gnomAD); In silico analysis suggests that this missense variant does not alter protein structure/function; Has not been previously published as pathogenic or benign to our knowledge

NM_032229.3(SLITRK6):c.2300A>G (p.Gln767Arg)

Gene: SLITRK6 (SLIT and NTRK like family member 6; minus strand). Cytogenetic location: 13q31.1.
Variant type: single nucleotide variant.
Coding change: c.2300A>G on transcript NM_032229.3 (MANE Select); coding-DNA position 2300, A replaced by G.
Protein change: p.Gln767Arg; replaces glutamine 767 with arginine.
Molecular consequence: missense variant.
Genome position (GRCh38, 1-based): chr13:85,794,209, T>C on the plus strand (A>G on the coding strand, the complement: SLITRK6 is on the minus strand). VCF-style: chr13-85794209-T-C. GRCh37 (hg19) VCF-style: chr13-86368344-T-C.
Other names: short protein forms Q767R.
Identifiers: ClinVar variation 4795673 (VCV004795673.2).
Genomic context (GRCh38, chr13:85,794,209, plus strand): 5'-TCCATATCAGGCTGGAGCTGAGCAATGTTTTTCCTTAGGTATTCTGTGATTCCCAGTTGC[T>C]GAAGTTCCCTTTCTTTTTCTAAAATGTTTCTGTACAATGAGCTGGCATCTTGGAAGGATA-3'
Protein context (NP_115605.2, residues 757-777): RNILEKEREL[Gln767Arg]QLGITEYLRK